The following is an entry in ClinVar:

ClinVar aggregate classification (germline): Likely pathogenic (3 of 4 stars; one submission).

Conditions:
Alpha-actinopathy. Also called: Actinopathy. Identifiers: MedGen CN295279, MONDO:0100084.

Submission:

ClinGen Congenital Myopathies Variant Curation Expert Panel, ClinGen
Classification: Likely pathogenic for Alpha-actinopathy. Last evaluated: 2024-08-07. Review status: reviewed by expert panel. Criteria: ClinGen CongenMyopathy ACMG Specifications ACTA1 AR V1.0.0. Collection method: curation. Allele origin: germline. Inheritance: Autosomal recessive inheritance.
Comment: The c.1092delC (p.Tyr364*) variant in ACTA1 is a deletion variant that may cause a premature stop codon that is predicted to escape nonsense mediated decay, however it is a truncation of a functionally important region (removes amino acids 363-377) in a gene where loss-of-function is an established disease mechanism (PVS1_Strong; PMIDs:16945536, 17187373). This variant is absent from gnomAD v4.1.0 (PM2_Supporting). This variant has been detected in one homozygous individual with features consistent with nemaline myopathy, including a muscle biopsy with multiple small nemaline rods in most fibers (PM3, PP4 PMID:17187373). In summary, this variant meets the criteria to be classified as likely pathogenic for autosomal recessive alpha-actinopathy based on the ACMG/AMP criteria applied, as specified by the ClinGen Congenital Myopathies VCEP: PVS1_Strong, PM3, PM2_Supporting, PP4 (ClinGen Congenital Myopathies VCEP specifications version 1; 08/07/2024).

NM_001100.4(ACTA1):c.1092del (p.Glu363_Tyr364insTer)

Gene: ACTA1 (actin alpha 1, skeletal muscle; minus strand). Cytogenetic location: 1q42.13.
Variant type: Deletion.
Coding change: c.1092del on transcript NM_001100.4 (MANE Select); coding-DNA position 1092, one base deleted (C; older notation c.1092delC).
Protein change: p.Glu363_Tyr364insTer.
Molecular consequence: nonsense.
Genome position (GRCh38, 1-based): chr1:229,431,541, G deleted on the plus strand (C on the coding strand, the reverse complement: ACTA1 is on the minus strand). VCF-style (leftmost placement, unchanged base first): chr1-229431540-CG-C. GRCh37 (hg19) VCF-style: chr1-229567287-CG-C.
Other names: NM_001100.4:c.1092del.
Identifiers: ClinVar variation 3391169 (VCV003391169.1).